The following is an entry in ClinVar:

ClinVar aggregate classification (germline): Conflicting classifications of pathogenicity. Review status: criteria provided, conflicting classifications (1 of 4 stars). 2 submissions from 2 submitters: Likely pathogenic (1); Uncertain significance (1). Last evaluated 2026-09-01.

Conditions:
Hypophosphatasia. Also called: Phosphoethanol-aminuria. Identifiers: Orphanet 436, MedGen C0020630, MeSH D007014, MONDO:0018570.

Submissions (2):

Genomenon, Inc
Classification: Likely pathogenic for Hypophosphatasia. Last evaluated: 2026-09-01. Review status: criteria provided, single submitter. Criteria: Genomenon Sequence Variant Interpretation Standards - Updated. Collection method: curation. Allele origin: germline. Affected: yes.
Comment: ALPL p.His180Arg (c.539A>G) is a missense variant that changes the amino acid at codon 180 from Histidine to Arginine. This variant has been observed in at least one proband affected with an ALPL-related disorder (PMID:32973344). At least one functional study has demonstrated a substantial alteration in protein function relative to the wild-type (PMID:32160374). It is absent or not present at a significant frequency in gnomAD. In silico models predict that this variant is possibly or probably damaging. In conclusion, we classify ALPL p.His180Arg (c.539A>G) as a likely pathogenic variant.

JKU Lab, Dept of Paediatrics, Johannes Kepler University
Classification: Uncertain significance for Hypophosphatasia. Last evaluated: 2023-08-22. Review status: criteria provided, single submitter. Criteria: ACMG Guidelines, 2015. Collection method: clinical testing. Allele origin: germline. Affected: yes. Observed: 1 heterozygote.
Comment: Absent in GnomAD.

Literature cited by the submitters: PubMed 32973344 (cited by Genomenon, Inc); PubMed 32160374 (cited by Genomenon, Inc).

NM_000478.6(ALPL):c.539A>G (p.His180Arg)

Gene: ALPL (alkaline phosphatase, biomineralization associated; plus strand). Cytogenetic location: 1p36.12.
Variant type: single nucleotide variant.
Coding change: c.539A>G on transcript NM_000478.6 (MANE Select); coding-DNA position 539, A replaced by G.
Protein change: p.His180Arg; replaces histidine 180 with arginine.
Molecular consequence: missense variant.
Genome position (GRCh38, 1-based): chr1:21,564,107, A>G. VCF-style: chr1-21564107-A-G. GRCh37 (hg19) VCF-style: chr1-21890600-A-G.
Other names: c.374A>G, p.His125Arg (NM_001127501.4); c.308A>G, p.His103Arg (NM_001177520.3); c.539A>G, p.His180Arg (NM_001369803.2, NM_001369804.2, NM_001369805.2); short protein forms H103R, H125R, H180R.
Identifiers: ClinVar variation 2672304 (VCV002672304.2), dbSNP rs2545303785, ClinGen allele CA338877943.
Genomic context (GRCh38, chr1:21,564,107, plus strand): 5'-CTGTGGGCATTGTGACCACCACGAGAGTGAACCATGCCACCCCCAGCGCCGCCTACGCCC[A>G]CTCGGCTGACCGGGACTGGTACTCAGACAACGAGATGCCCCCTGAGGCCTTGAGCCAGGG-3'
Protein context (NP_000469.3, residues 170-190): NHATPSAAYA[His180Arg]SADRDWYSDN